The following is an entry in ClinVar:

ClinVar aggregate classification (germline): Uncertain significance (1 of 4 stars; one submission).

Conditions:
Retinitis pigmentosa 45 (RP45). Identifiers: Orphanet 791, MedGen C3151066, MONDO:0013413, OMIM 613767.

Submission:

ARUP Laboratories, Molecular Genetics and Genomics, ARUP Laboratories
Classification: Uncertain significance for Retinitis pigmentosa 45. Last evaluated: 2018-08-24. Review status: criteria provided, single submitter. Criteria: ARUP Molecular Germline Variant Investigation Process. Collection method: clinical testing. Allele origin: germline.
Comment: The CNGB1 c.832G>C; p.Glu278Gln variant, to our knowledge, is not reported in the medical literature or in gene-specific databases. This variant is also absent from general population databases (1000 Genomes Project, Exome Variant Server, and Genome Aggregation Database), indicating it is not a common polymorphism. The glutamate at this position is weakly conserved across species and computational analyses (SIFT: Damaging, PolyPhen-2: Benign) predict conflicting effects of this variant on protein structure/function. Considering available information, the clinical significance of this variant cannot be determined with certainty. Pathogenic CNGB1 variants are causative for autosomal recessive retinitis pigmentosa (MIM: 613767).

NM_001297.5(CNGB1):c.832G>C (p.Glu278Gln)

Gene: CNGB1 (cyclic nucleotide gated channel subunit beta 1; minus strand). Cytogenetic location: 16q21.
Variant type: single nucleotide variant.
Coding change: c.832G>C on transcript NM_001297.5 (MANE Select); coding-DNA position 832, G replaced by C.
Protein change: p.Glu278Gln; replaces glutamic acid 278 with glutamine.
Molecular consequence: missense variant.
Genome position (GRCh38, 1-based): chr16:57,958,415, C>G on the plus strand (G>C on the coding strand, the complement: CNGB1 is on the minus strand). VCF-style: chr16-57958415-C-G. GRCh37 (hg19) VCF-style: chr16-57992319-C-G.
Other names: c.832G>C, p.Glu278Gln (NM_001135639.2); c.814G>C, p.Glu272Gln (NM_001286130.2); short protein forms E272Q, E278Q.
Identifiers: ClinVar variation 811726 (VCV000811726.8), dbSNP rs1263336688, ClinGen allele CA396076580.